The following is an entry in ClinVar:

NM_000179.3(MSH6):c.666T>A (p.Asp222Glu)

Gene: MSH6 (mutS homolog 6; plus strand). Cytogenetic location: 2p16.3.
Variant type: single nucleotide variant.
Coding change: c.666T>A on transcript NM_000179.3 (MANE Select); coding-DNA position 666, T replaced by A.
Protein change: p.Asp222Glu; replaces aspartic acid 222 with glutamic acid.
Molecular consequence: missense variant. On other transcripts: 5 prime UTR variant (2).
Genome position (GRCh38, 1-based): chr2:47,798,649, T>A. VCF-style: chr2-47798649-T-A. GRCh37 (hg19) VCF-style: chr2-48025788-T-A.
Other names: c.276T>A, p.Asp92Glu (NM_001281492.2); c.-241T>A (NM_001281493.2, NM_001281494.2); short protein forms D92E, D222E.
Identifiers: ClinVar variation 665775 (VCV000665775.12), dbSNP rs1572719886, ClinGen allele CA346739389.

ClinVar aggregate classification (germline): Uncertain significance. Review status: criteria provided, multiple submitters, no conflicts (2 of 4 stars). 2 submissions from 2 submitters: Uncertain significance (2). Last evaluated 2023-06-16.

Conditions:
Hereditary nonpolyposis colorectal neoplasms. Identifiers: MedGen C0009405, MeSH D003123.

Submissions (2):

GeneDx
Classification: Uncertain significance. Last evaluated: 2023-06-16. Review status: criteria provided, single submitter. Criteria: GeneDx Variant Classification Process June 2021. Collection method: clinical testing. Allele origin: germline. Affected: yes.
Comment: Not observed at significant frequency in large population cohorts (gnomAD); In silico analysis supports that this missense variant does not alter protein structure/function; Observed in a patient with breast cancer (Hu et al., 2022); This variant is associated with the following publications: (PMID: 35449176, 21437237)

Labcorp Genetics (formerly Invitae), Labcorp
Classification: Uncertain significance for Hereditary nonpolyposis colorectal neoplasms. Last evaluated: 2019-03-01. Review status: criteria provided, single submitter. Criteria: Invitae Variant Classification Sherloc (09022015). Collection method: clinical testing. Allele origin: germline.
Comment: In summary, the available evidence is currently insufficient to determine the role of this variant in disease. Therefore, it has been classified as a Variant of Uncertain Significance. Algorithms developed to predict the effect of missense changes on protein structure and function output the following: SIFT: "Tolerated"; PolyPhen-2: "Benign"; Align-GVGD: "Class C0". The glutamic acid amino acid residue is found in multiple mammalian species, suggesting that this missense change does not adversely affect protein function. These predictions have not been confirmed by published functional studies and their clinical significance is uncertain. This variant has not been reported in the literature in individuals with MSH6-related disease. This variant is not present in population databases (ExAC no frequency). This sequence change replaces aspartic acid with glutamic acid at codon 222 of the MSH6 protein (p.Asp222Glu). The aspartic acid residue is weakly conserved and there is a small physicochemical difference between aspartic acid and glutamic acid.